The following is an entry in ClinVar:

NM_000494.4(COL17A1):c.2647+2T>A

Gene: COL17A1 (collagen type XVII alpha 1 chain; minus strand). Cytogenetic location: 10q25.1.
Variant type: single nucleotide variant.
Coding change: c.2647+2T>A on transcript NM_000494.4 (MANE Select); the canonical splice donor site of the intron after coding-DNA position 2647, T replaced by A.
Molecular consequence: splice donor variant.
Genome position (GRCh38, 1-based): chr10:104,041,301, A>T on the plus strand (T>A on the coding strand, the complement: COL17A1 is on the minus strand). VCF-style: chr10-104041301-A-T. GRCh37 (hg19) VCF-style: chr10-105801059-A-T.
Identifiers: ClinVar variation 1521760 (VCV001521760.6), dbSNP rs2134585922, ClinGen allele CA378068289.

ClinVar aggregate classification (germline): Likely pathogenic (1 of 4 stars; one submission).

Submission:

Labcorp Genetics (formerly Invitae), Labcorp
Classification: Likely pathogenic. Last evaluated: 2021-06-25. Review status: criteria provided, single submitter. Criteria: Invitae Variant Classification Sherloc (09022015). Collection method: clinical testing. Allele origin: germline.
Comment: In summary, the currently available evidence indicates that the variant is pathogenic, but additional data are needed to prove that conclusively. Therefore, this variant has been classified as Likely Pathogenic. Algorithms developed to predict the effect of sequence changes on RNA splicing suggest that this variant may disrupt the consensus splice site. This variant has not been reported in the literature in individuals affected with COL17A1-related conditions. This variant is not present in population databases (ExAC no frequency). This sequence change affects a donor splice site in intron 38 of the COL17A1 gene. It is expected to disrupt RNA splicing. Variants that disrupt the donor or acceptor splice site typically lead to a loss of protein function (PMID: 16199547), and loss-of-function variants in COL17A1 are known to be pathogenic (PMID: 16473856, 17344927, 20301304, 21357940, 24319098).

Literature cited by the submitters: PubMed 16199547; PubMed 16473856; PubMed 17344927; PubMed 20301304; PubMed 21357940; PubMed 24319098.